The following is an entry in ClinVar:

ClinVar aggregate classification (germline): Conflicting classifications of pathogenicity. Review status: criteria provided, conflicting classifications (1 of 4 stars). 8 submissions from 8 submitters: Uncertain significance (6); Likely benign (2). Last evaluated 2026-05-12.

Conditions:
Hereditary breast ovarian cancer syndrome. Also called: Hereditary breast and ovarian cancer syndrome (HBOC); BRCA1- and BRCA2-Associated Hereditary Breast and Ovarian Cancer; Hereditary breast and/or ovarian cancer syndrome; Hereditary breast and ovarian cancer syndrome; Hereditary breast and ovarian cancer; Breast and ovarian cancer. Identifiers: Orphanet 145, MedGen C0677776, MeSH D061325, MONDO:0003582. Disease mechanism: loss of function.
Hereditary cancer-predisposing syndrome. Also called: Neoplastic Syndromes, Hereditary; Hereditary neoplastic syndrome; Tumor predisposition; Hereditary Cancer Syndrome. Identifiers: Orphanet 140162, MedGen C0027672, MeSH D009386, MONDO:0015356.
Breast-ovarian cancer, familial, susceptibility to, 1 (BROVCA1). Also called: BRCA1 Hereditary Breast and Ovarian Cancer; OVARIAN CANCER, SUSCEPTIBILITY TO. Identifiers: Orphanet 145, MedGen C2676676, MONDO:0011450, OMIM 604370. Disease mechanism: loss of function.

Allele frequency attached by ClinVar (database versions not stated): TOPMed below 0.00001.
gnomAD v4.1: 1 of 1,614,058 alleles (0.000062%); highest among the groups gnomAD compares: Non-Finnish European, 0.000085%; no homozygotes.

Submissions (8):

Women's Health and Genetics/Laboratory Corporation of America, LabCorp
Classification: Uncertain significance. Last evaluated: 2026-05-12. Review status: criteria provided, single submitter. Criteria: LabCorp Variant Classification Summary - May 2015. Collection method: clinical testing. Allele origin: germline.
Comment: Variant summary: BRCA1 c.1270G>C (p.Gly424Arg) results in a non-conservative amino acid change in the encoded protein sequence. Algorithms developed to predict the effect of missense changes on protein structure and function are either unavailable or do not agree on the potential impact of this missense change. The variant was absent in 250822 control chromosomes. The available data on variant occurrences in the general population are insufficient to allow any conclusion about variant significance. To our knowledge, no occurrence of c.1270G>C in individuals affected with BRCA1-related conditions and no experimental evidence demonstrating its impact on protein function have been reported. ClinVar contains an entry for this variant (Variation ID: 418958). Based on the evidence outlined above, the variant was classified as uncertain significance.

Labcorp Genetics (formerly Invitae), Labcorp
Classification: Uncertain significance for Hereditary breast ovarian cancer syndrome. Last evaluated: 2025-01-13. Review status: criteria provided, single submitter. Criteria: Invitae Variant Classification Sherloc (09022015). Collection method: clinical testing. Allele origin: germline.
Comment: This sequence change replaces glycine, which is neutral and non-polar, with arginine, which is basic and polar, at codon 424 of the BRCA1 protein (p.Gly424Arg). This variant is not present in population databases (gnomAD no frequency). This variant has not been reported in the literature in individuals affected with BRCA1-related conditions. ClinVar contains an entry for this variant (Variation ID: 418958). Invitae Evidence Modeling of protein sequence and biophysical properties (such as structural, functional, and spatial information, amino acid conservation, physicochemical variation, residue mobility, and thermodynamic stability) indicates that this missense variant is expected to disrupt BRCA1 protein function with a positive predictive value of 80%. In summary, the available evidence is currently insufficient to determine the role of this variant in disease. Therefore, it has been classified as a Variant of Uncertain Significance.

Quest Diagnostics Nichols Institute San Juan Capistrano
Classification: Uncertain significance. Last evaluated: 2024-08-26. Review status: criteria provided, single submitter. Criteria: Quest Diagnostics criteria. Collection method: clinical testing. Allele origin: unknown.
Comment: The BRCA1 c.1270G>C (p.Gly424Arg) variant has been reported in the published literature in an individual undergoing multigene panel testing for hereditary cancer (PMID: 31853058 (2020)), and described to be located in a region of the BRCA2 gene that is tolerant to missense sequence changes (PMID: 31911673 (2020)). This variant has not been reported in large, multi-ethnic general populations (Genome Aggregation Database). Analysis of this variant using bioinformatics tools for the prediction of the effect of amino acid changes on protein structure and function yielded predictions that this variant is benign. Based on the available information, we are unable to determine the clinical significance of this variant.

Color Diagnostics, LLC DBA Color Health
Classification: Uncertain significance for Hereditary cancer-predisposing syndrome. Last evaluated: 2024-07-10. Review status: criteria provided, single submitter. Criteria: ACMG Guidelines, 2015. Collection method: clinical testing. Allele origin: germline.
Comment: This missense variant replaces glycine with arginine at codon 424 of the BRCA1 protein. Computational prediction is inconclusive regarding the impact of this variant on protein structure and function. To our knowledge, functional studies have not been reported for this variant. A multifactorial analysis reported a likelihood ratio (LR) for pathogenicity based on personal and family history of 0.4843 (from log(LR) = -0.3148898184) (PMID: 31853058). This variant has not been identified in the general population by the Genome Aggregation Database (gnomAD). The available evidence is insufficient to determine the role of this variant in disease conclusively. Therefore, this variant is classified as a Variant of Uncertain Significance.

Ambry Genetics
Classification: Uncertain significance for Hereditary cancer-predisposing syndrome. Last evaluated: 2024-03-15. Review status: criteria provided, single submitter. Criteria: Ambry Variant Classification Scheme 2023. Collection method: clinical testing. Allele origin: germline.
Comment: The p.G424R variant (also known as c.1270G>C), located in coding exon 9 of the BRCA1 gene, results from a G to C substitution at nucleotide position 1270. The glycine at codon 424 is replaced by arginine, an amino acid with dissimilar properties. This amino acid position is not well conserved in available vertebrate species. In addition, the in silico prediction for this alteration is inconclusive. Based on the available evidence, the clinical significance of this alteration remains unclear.

Myriad Genetics, Inc.
Classification: Likely benign for Breast-ovarian cancer, familial, susceptibility to, 1. Last evaluated: 2024-01-29. Review status: criteria provided, single submitter. Criteria: Myriad Autosomal Dominant, Autosomal Recessive and X-Linked Classification Criteria (2023). Collection method: clinical testing. Allele origin: unknown.
Comment: This variant is considered likely benign. This variant is strongly associated with less severe personal and family histories of cancer, typical for individuals without pathogenic variants in this gene [PMID: 25085752].

University of Washington Department of Laboratory Medicine, University of Washington
Classification: Likely benign for Hereditary cancer-predisposing syndrome. Last evaluated: 2023-03-23. Review status: criteria provided, single submitter. Criteria: Dines et al. (Genet Med. 2020). Collection method: curation. Allele origin: germline.
Comment: Missense variant in a coldspot region where missense variants are very unlikely to be pathogenic (PMID:31911673).

BRCA1 coldspot (exon 11 using historical exon numbering). Reclassification based on statistical prior probability

GeneDx
Classification: Uncertain significance. Last evaluated: 2017-10-12. Review status: criteria provided, single submitter. Criteria: GeneDx Variant Classification (06012015). Collection method: clinical testing. Allele origin: germline. Affected: yes.
Comment: This variant is denoted BRCA1 c.1270G>C at the cDNA level, p.Gly424Arg (G424R) at the protein level, and results in the change of a Glycine to an Arginine (GGT>CGT). Using alternate nomenclature, this variant would be defined as BRCA1 1389G>C. This variant has not, to our knowledge, been published in the literature as pathogenic or benign. BRCA1 Gly424Arg was not observed in large population cohorts (Lek 2016). Since Glycine and Arginine differ in polarity, charge, size or other properties, this is considered a non-conservative amino acid substitution. BRCA1 Gly424Arg occurs at a position that is not conserved and is located in a region known to interact with multiple proteins (Paul 2014). Protein based in silico analyses are inconsistent regarding the effect this variant may have on protein structure and function, while splicing models predict that this variant may strengthen the cryptic splice acceptor site and possibly cause abnormal splicing. Based on currently available evidence, it is unclear whether BRCA1 Gly424Arg is a pathogenic or benign variant. We consider it to be a variant of uncertain significance.

Literature cited by the submitters: PubMed 30702160 (cited by Quest Diagnostics Nichols Institute San Juan Capistrano); PubMed 32377563 (cited by Quest Diagnostics Nichols Institute San Juan Capistrano); PubMed 25085752 (cited by Quest Diagnostics Nichols Institute San Juan Capistrano and Myriad Genetics, Inc.); PubMed 31853058 (cited by Quest Diagnostics Nichols Institute San Juan Capistrano and Color Diagnostics, LLC DBA Color Health); PubMed 31911673 (cited by Quest Diagnostics Nichols Institute San Juan Capistrano).

NM_007294.4(BRCA1):c.1270G>C (p.Gly424Arg)

Gene: BRCA1 (BRCA1 DNA repair associated; minus strand). Cytogenetic location: 17q21.31.
Variant type: single nucleotide variant.
Coding change: c.1270G>C on transcript NM_007294.4 (MANE Select); coding-DNA position 1270, G replaced by C.
Protein change: p.Gly424Arg; replaces glycine 424 with arginine.
Molecular consequence: missense variant. On other transcripts: intron variant (137).
Genome position (GRCh38, 1-based): chr17:43,094,261, C>G on the plus strand (G>C on the coding strand, the complement: BRCA1 is on the minus strand). VCF-style: chr17-43094261-C-G. GRCh37 (hg19) VCF-style: chr17-41246278-C-G.
Other names: c.1057G>C, p.Gly353Arg (NM_001407571.1, NM_001407853.1, NM_001407894.1 and 9 more transcripts); c.1270G>C, p.Gly424Arg (NM_001407581.1, NM_001407582.1, NM_001407583.1 and 30 more transcripts); c.1267G>C, p.Gly423Arg (NM_001407587.1, NM_001407590.1, NM_001407591.1 and 22 more transcripts); c.1261G>C, p.Gly421Arg (NM_001407646.1, NM_001407647.1); c.1147G>C, p.Gly383Arg (NM_001407648.1, NM_001407664.1, NM_001407665.1 and 19 more transcripts); c.1144G>C, p.Gly382Arg (NM_001407649.1, NM_001407670.1, NM_001407671.1 and 11 more transcripts); c.1192G>C, p.Gly398Arg (NM_001407663.1, NM_001407653.1, NM_001407654.1 and 4 more transcripts); c.1129G>C, p.Gly377Arg (NM_001407727.1, NM_001407728.1, NM_001407729.1 and 29 more transcripts); and 40 more; short protein forms G424R, G377R, G313R, G336R, G353R, G357R, G296R, G297R.
Identifiers: ClinVar variation 418958 (VCV000418958.21), dbSNP rs763051683, ClinGen allele CA10599516.